The following is an entry in ClinVar:

NM_001042492.3(NF1):c.7793del (p.Val2598fs)

Gene: NF1 (neurofibromin 1; plus strand). Cytogenetic location: 17q11.2.
Variant type: Deletion.
Coding change: c.7793del on transcript NM_001042492.3 (MANE Select); coding-DNA position 7793, one base deleted (T; older notation c.7793delT).
Protein change: p.Val2598fs; shifts the reading frame from valine 2598.
Molecular consequence: frameshift variant.
Genome position (GRCh38, 1-based): chr17:31,357,014, T deleted. VCF-style (leftmost placement, unchanged base first): chr17-31357013-GT-G. GRCh37 (hg19) VCF-style: chr17-29684031-GT-G.
Other names: c.7730delT, p.Val2577Glyfs (NM_000267.4); short protein forms V2577fs, V2598fs.
Identifiers: ClinVar variation 1072325 (VCV001072325.5), dbSNP rs2151582319, ClinGen allele CA2499224240.

ClinVar aggregate classification (germline): Pathogenic (1 of 4 stars; one submission).

Conditions:
Neurofibromatosis, type 1 (NF1). Also called: VON RECKLINGHAUSEN DISEASE; Peripheral type neurofibromatosis; NEUROFIBROMATOSIS, TYPE I, SOMATIC; Neurofibromatosis, type I. Identifiers: Orphanet 636, MedGen C0027831, MONDO:0018975, OMIM 162200. Disease mechanism: loss of function.

Submission:

Labcorp Genetics (formerly Invitae), Labcorp
Classification: Pathogenic for Neurofibromatosis, type 1. Last evaluated: 2020-06-26. Review status: criteria provided, single submitter. Criteria: Invitae Variant Classification Sherloc (09022015). Collection method: clinical testing. Allele origin: germline.
Comment: This variant has not been reported in the literature in individuals with NF1-related conditions. Algorithms developed to predict the effect of sequence changes on RNA splicing suggest that this variant may create or strengthen a splice site, but this prediction has not been confirmed by published transcriptional studies. Loss-of-function variants in NF1 are known to be pathogenic (PMID: 10712197, 23913538). For these reasons, this variant has been classified as Pathogenic. This variant is not present in population databases (ExAC no frequency). This sequence change creates a premature translational stop signal (p.Val2577Glyfs*26) in the NF1 gene. It is expected to result in an absent or disrupted protein product.

Literature cited by the submitters: PubMed 10712197; PubMed 23913538.